The following is an entry in ClinVar:

NM_018489.3(ASH1L):c.3052C>A (p.Leu1018Ile)

Gene: ASH1L (ASH1 like histone lysine methyltransferase; minus strand). Cytogenetic location: 1q22.
Variant type: single nucleotide variant.
Coding change: c.3052C>A on transcript NM_018489.3 (MANE Select); coding-DNA position 3052, C replaced by A.
Protein change: p.Leu1018Ile; replaces leucine 1018 with isoleucine.
Molecular consequence: missense variant.
Genome position (GRCh38, 1-based): chr1:155,479,818, G>T on the plus strand (C>A on the coding strand, the complement: ASH1L is on the minus strand). VCF-style: chr1-155479818-G-T. GRCh37 (hg19) VCF-style: chr1-155449609-G-T.
Other names: c.3052C>A, p.Leu1018Ile (NM_001366177.2); short protein forms L1018I.
Identifiers: ClinVar variation 3952472 (VCV003952472.2).
Genomic context (GRCh38, chr1:155,479,818, plus strand): 5'-TTATCTGTTGGCCCAATTTAGAGCCAAATGTGGCAGCAAGACTTGATACCGTATTATGGA[G>T]TTTGGATTGCACTTTCCCTTTATTACTTGATTCTACAGAACTTGAAAGAATCTGATTCAA-3'
Protein context (NP_060959.2, residues 1008-1028): SSNKGKVQSK[Leu1018Ile]HNTVSSLAAT

ClinVar aggregate classification (germline): Uncertain significance. Review status: criteria provided, multiple submitters, no conflicts (2 of 4 stars). 2 submissions from 2 submitters: Uncertain significance (2). Last evaluated 2025-04-13.

Conditions:
Inborn genetic diseases. Identifiers: MedGen C0950123, MeSH D030342.

gnomAD v4.1: 1 of 1,614,162 alleles (0.000062%); highest among the groups gnomAD compares: South Asian, 0.0011%; no homozygotes.

Submissions (2):

Ambry Genetics
Classification: Uncertain significance for Inborn genetic diseases. Last evaluated: 2025-04-13. Review status: criteria provided, single submitter. Criteria: Ambry Variant Classification Scheme 2023. Collection method: clinical testing. Allele origin: germline.

Greenwood Genetic Center Diagnostic Laboratories, Greenwood Genetic Center
Classification: Uncertain significance. Last evaluated: 2025-02-24. Review status: criteria provided, single submitter. Criteria: ACMG Guidelines, 2015. Collection method: clinical testing. Allele origin: germline.
Comment: PM2, PP2